The following is an entry in ClinVar:

ClinVar aggregate classification (germline): Benign/Likely benign. Review status: criteria provided, multiple submitters, no conflicts (2 of 4 stars). 3 submissions from 3 submitters: Benign (1); Likely benign (2). Last evaluated 2026-07-08.

Conditions:
Hereditary cancer-predisposing syndrome. Also called: Hereditary Cancer Syndrome; Hereditary neoplastic syndrome; Neoplastic Syndromes, Hereditary; Tumor predisposition. Identifiers: Orphanet 140162, MedGen C0027672, MeSH D009386, MONDO:0015356.
Rhabdoid tumor predisposition syndrome 2 (RTPS2). Identifiers: Orphanet 231108, Orphanet 69077, MedGen C2750074, MONDO:0013224, OMIM 613325.

gnomAD v4.1: 1 of 1,612,578 alleles (0.000062%); no homozygotes.

Submissions (3):

Myriad Genetics, Inc.
Classification: Benign for Rhabdoid tumor predisposition syndrome 2. Last evaluated: 2026-07-08. Review status: criteria provided, single submitter. Criteria: Myriad Autosomal Dominant, Autosomal Recessive and X-Linked Classification Criteria (2023). Collection method: clinical testing. Allele origin: unknown.
Comment: This variant is considered benign. This variant is a silent/synonymous amino acid change and it is not expected to impact splicing.

Labcorp Genetics (formerly Invitae), Labcorp
Classification: Likely benign for Rhabdoid tumor predisposition syndrome 2. Last evaluated: 2025-08-03. Review status: criteria provided, single submitter. Criteria: Invitae Variant Classification Sherloc (09022015). Collection method: clinical testing. Allele origin: germline.

Ambry Genetics
Classification: Likely benign for Hereditary cancer-predisposing syndrome. Last evaluated: 2022-03-12. Review status: criteria provided, single submitter. Criteria: Ambry Variant Classification Scheme 2023. Collection method: clinical testing. Allele origin: germline.

NM_003072.5(SMARCA4):c.69C>G (p.Ser23=)

Gene: SMARCA4 (SWI/SNF related BAF chromatin remodeling complex subunit ATPase 4; plus strand). Cytogenetic location: 19p13.2.
Variant type: single nucleotide variant.
Coding change: c.69C>G on transcript NM_003072.5 (MANE Select); coding-DNA position 69, C replaced by G.
Protein change: p.Ser23=; no amino-acid change (serine 23 retained).
Molecular consequence: synonymous variant. On other transcripts: non-coding transcript variant (1).
Genome position (GRCh38, 1-based): chr19:10,984,220, C>G. VCF-style: chr19-10984220-C-G. GRCh37 (hg19) VCF-style: chr19-11094896-C-G.
Other names: c.69C>G, p.Ser23= (NM_001128844.3, NM_001128845.2, NM_001128846.2 and 5 more transcripts).
Identifiers: ClinVar variation 1129803 (VCV001129803.12), dbSNP rs772658698, ClinGen allele CA505487141.